The following is an entry in ClinVar:

ClinVar aggregate classification (germline): Uncertain significance. Review status: criteria provided, single submitter (1 of 4 stars). 2 submissions from 2 submitters: Uncertain significance (1). 1 of the submissions does not count toward it. Last evaluated 2022-06-13.

Conditions:
Zellweger spectrum disorders (ZS). Also called: Zellweger Spectrum Disorder; Zellweger Spectrum; Zellweger syndrome; Zellweger Spectrum Disorder (ZSD). Identifiers: Orphanet 912, MedGen C0043459, MONDO:0019609.
Peroxisome biogenesis disorder. Identifiers: Orphanet 79189, MedGen C1832200, MONDO:0019234. Disease mechanism: loss of function.

Allele frequency attached by ClinVar (database versions not stated): gnomAD exomes below 0.00001; ExAC 0.00001.
gnomAD v4.1: 1 of 1,614,098 alleles (0.000062%); highest among the groups gnomAD compares: Non-Finnish European, 0.000085%; no homozygotes.

Submissions (2):

Labcorp Genetics (formerly Invitae), Labcorp
Classification: Uncertain significance for Peroxisome biogenesis disorder. Last evaluated: 2022-06-13. Review status: criteria provided, single submitter. Criteria: Invitae Variant Classification Sherloc (09022015). Collection method: clinical testing. Allele origin: germline.
Comment: This sequence change replaces isoleucine, which is neutral and non-polar, with threonine, which is neutral and polar, at codon 800 of the PEX6 protein (p.Ile800Thr). This variant is present in population databases (rs748244253, gnomAD 0.0009%). This variant has not been reported in the literature in individuals affected with PEX6-related conditions. ClinVar contains an entry for this variant (Variation ID: 841712). Algorithms developed to predict the effect of missense changes on protein structure and function (SIFT, PolyPhen-2, Align-GVGD) all suggest that this variant is likely to be disruptive. In summary, the available evidence is currently insufficient to determine the role of this variant in disease. Therefore, it has been classified as a Variant of Uncertain Significance.

Natera, Inc.
Classification: Uncertain significance for Zellweger syndrome. Last evaluated: 2020-12-30. Review status: no assertion criteria provided. Collection method: clinical testing. Allele origin: germline. Not counted in ClinVar's aggregate classification.

NM_000287.4(PEX6):c.2399T>C (p.Ile800Thr)

Gene: PEX6 (peroxisomal biogenesis factor 6; minus strand). Cytogenetic location: 6p21.1.
Variant type: single nucleotide variant.
Coding change: c.2399T>C on transcript NM_000287.4 (MANE Select); coding-DNA position 2399, T replaced by C.
Protein change: p.Ile800Thr; replaces isoleucine 800 with threonine.
Molecular consequence: missense variant. On other transcripts: non-coding transcript variant (1).
Genome position (GRCh38, 1-based): chr6:42,965,753, A>G on the plus strand (T>C on the coding strand, the complement: PEX6 is on the minus strand). VCF-style: chr6-42965753-A-G. GRCh37 (hg19) VCF-style: chr6-42933491-A-G.
Other names: c.2135T>C, p.Ile712Thr (NM_001316313.2); short protein forms I800T, I712T.
Identifiers: ClinVar variation 841712 (VCV000841712.9), dbSNP rs748244253, ClinGen allele CA3811022.